The following is an entry in ClinVar:

NM_198252.3(GSN):c.197-7C>T

Gene: GSN (gelsolin; plus strand). Cytogenetic location: 9q33.2.
Variant type: single nucleotide variant.
Coding change: c.197-7C>T on transcript NM_198252.3 (MANE Select); 7 bases into the intron before coding-DNA position 197, C replaced by T.
Molecular consequence: intron variant.
Genome position (GRCh38, 1-based): chr9:121,302,904, C>T. VCF-style: chr9-121302904-C-T. GRCh37 (hg19) VCF-style: chr9-124065182-C-T.
Other names: c.197-7C>T (NM_001353054.1, NM_001353053.1, NM_001353060.2 and 10 more transcripts); c.230-7C>T (NM_001353064.2, NM_001353066.2, NM_001353073.2 and 13 more transcripts); c.305-7C>T (NM_001127663.2); c.269-7C>T (NM_001353076.2); c.-458-7C>T (NM_001353078.2); c.248-7C>T (NM_001258029.2); c.221-7C>T (NM_001258030.2); c.350-7C>T (NM_000177.5, NM_000177.4).
Identifiers: ClinVar variation 1607049 (VCV001607049.10), dbSNP rs754716980, ClinGen allele CA859603491.

ClinVar aggregate classification (germline): Likely benign. Review status: criteria provided, single submitter (1 of 4 stars). 2 submissions from 2 submitters: Likely benign (1). 1 of the submissions does not count toward it. Last evaluated 2022-05-18.

Conditions:
GSN-related disorder. Also called: GSN-related condition.

Allele frequency attached by ClinVar (database versions not stated): gnomAD 0.00001.
gnomAD v4.1: 4 of 1,613,326 alleles (0.00025%); highest among the groups gnomAD compares: Non-Finnish European, 0.00034%; no homozygotes.

Submissions (2):

Labcorp Genetics (formerly Invitae), Labcorp
Classification: Likely benign. Last evaluated: 2022-05-18. Review status: criteria provided, single submitter. Criteria: Invitae Variant Classification Sherloc (09022015). Collection method: clinical testing. Allele origin: germline.

PreventionGenetics, part of Exact Sciences
Classification: Likely benign for GSN-related condition. Last evaluated: 2019-07-19. Review status: no assertion criteria provided. Collection method: clinical testing. Allele origin: germline. Not counted in ClinVar's aggregate classification.
Comment: This variant is classified as likely benign based on ACMG/AMP sequence variant interpretation guidelines (Richards et al. 2015 PMID: 25741868, with internal and published modifications).